The following is an entry in ClinVar:

ClinVar aggregate classification (germline): Uncertain significance. Review status: criteria provided, multiple submitters, no conflicts (2 of 4 stars). 2 submissions from 2 submitters: Uncertain significance (2). Last evaluated 2025-03-24.

Conditions:
Hereditary cancer-predisposing syndrome. Also called: Hereditary neoplastic syndrome; Neoplastic Syndromes, Hereditary; Hereditary Cancer Syndrome; Tumor predisposition. Identifiers: Orphanet 140162, MedGen C0027672, MeSH D009386, MONDO:0015356.
Carney complex, type 1 (CNC1). Also called: CARNEY COMPLEX, TYPE I; CARNEY MYXOMA-ENDOCRINE COMPLEX. Identifiers: Orphanet 1359, MedGen C2607929, MONDO:0008057, OMIM 160980.

Submissions (2):

Ambry Genetics
Classification: Uncertain significance for Hereditary cancer-predisposing syndrome. Last evaluated: 2025-03-24. Review status: criteria provided, single submitter. Criteria: Ambry Variant Classification Scheme 2023. Collection method: clinical testing. Allele origin: germline.
Comment: The p.T106M variant (also known as c.317C>T), located in coding exon 2 of the PRKAR1A gene, results from a C to T substitution at nucleotide position 317. The threonine at codon 106 is replaced by methionine, an amino acid with similar properties. This amino acid position is conserved. In addition, this alteration is predicted to be deleterious by in silico analysis. Since supporting evidence is limited at this time, the clinical significance of this alteration remains unclear.

Labcorp Genetics (formerly Invitae), Labcorp
Classification: Uncertain significance for Carney complex, type 1. Last evaluated: 2023-08-01. Review status: criteria provided, single submitter. Criteria: Invitae Variant Classification Sherloc (09022015). Collection method: clinical testing. Allele origin: germline.
Comment: This variant has not been reported in the literature in individuals affected with PRKAR1A-related conditions. ClinVar contains an entry for this variant (Variation ID: 658710). Advanced modeling of protein sequence and biophysical properties (such as structural, functional, and spatial information, amino acid conservation, physicochemical variation, residue mobility, and thermodynamic stability) performed at Invitae indicates that this missense variant is not expected to disrupt PRKAR1A protein function. In summary, the available evidence is currently insufficient to determine the role of this variant in disease. Therefore, it has been classified as a Variant of Uncertain Significance. This sequence change replaces threonine, which is neutral and polar, with methionine, which is neutral and non-polar, at codon 106 of the PRKAR1A protein (p.Thr106Met). This variant is not present in population databases (gnomAD no frequency).

NM_002734.5(PRKAR1A):c.317C>T (p.Thr106Met)

Gene: PRKAR1A (protein kinase cAMP-dependent type I regulatory subunit alpha; plus strand). Cytogenetic location: 17q24.2.
Variant type: single nucleotide variant.
Coding change: c.317C>T on transcript NM_002734.5 (MANE Select); coding-DNA position 317, C replaced by T.
Protein change: p.Thr106Met; replaces threonine 106 with methionine.
Molecular consequence: missense variant.
Genome position (GRCh38, 1-based): chr17:68,522,895, C>T. VCF-style: chr17-68522895-C-T. GRCh37 (hg19) VCF-style: chr17-66519036-C-T.
Other names: c.317C>T (NM_002734.3); c.317C>T, p.Thr106Met (NM_001276289.2, NM_001276290.1, NM_001278433.2 and 4 more transcripts); short protein forms T106M.
Identifiers: ClinVar variation 658710 (VCV000658710.13), dbSNP rs1600479149, ClinGen allele CA400752455.